The following is an entry in ClinVar:

NM_001134363.3(RBM20):c.1036C>A (p.Pro346Thr)

Gene: RBM20 (RNA binding motif protein 20; plus strand). Cytogenetic location: 10q25.2.
Variant type: single nucleotide variant.
Coding change: c.1036C>A on transcript NM_001134363.3 (MANE Select); coding-DNA position 1036, C replaced by A.
Protein change: p.Pro346Thr; replaces proline 346 with threonine.
Molecular consequence: missense variant.
Genome position (GRCh38, 1-based): chr10:110,781,645, C>A. VCF-style: chr10-110781645-C-A. GRCh37 (hg19) VCF-style: chr10-112541403-C-A.
Other names: short protein forms P346T.
Identifiers: ClinVar variation 4805777 (VCV004805777.1).

ClinVar aggregate classification (germline): Uncertain significance (1 of 4 stars; one submission).

Conditions:
Dilated cardiomyopathy 1DD (CMD1DD). Identifiers: Orphanet 154, MedGen C2750995, MONDO:0013168, OMIM 613172.

Submission:

Labcorp Genetics (formerly Invitae), Labcorp
Classification: Uncertain significance for Dilated cardiomyopathy 1DD. Last evaluated: 2025-03-21. Review status: criteria provided, single submitter. Criteria: Invitae Variant Classification Sherloc (09022015). Collection method: clinical testing. Allele origin: germline.
Comment: This sequence change replaces proline, which is neutral and non-polar, with threonine, which is neutral and polar, at codon 346 of the RBM20 protein (p.Pro346Thr). This variant is not present in population databases (gnomAD no frequency). This variant has not been reported in the literature in individuals affected with RBM20-related conditions. Invitae Evidence Modeling of protein sequence and biophysical properties (such as structural, functional, and spatial information, amino acid conservation, physicochemical variation, residue mobility, and thermodynamic stability) indicates that this missense variant is not expected to disrupt RBM20 protein function with a negative predictive value of 95%. In summary, the available evidence is currently insufficient to determine the role of this variant in disease. Therefore, it has been classified as a Variant of Uncertain Significance.